The following is an entry in ClinVar:

ClinVar aggregate classification (germline): Uncertain significance (1 of 4 stars; one submission).

Submission:

Labcorp Genetics (formerly Invitae), Labcorp
Classification: Uncertain significance. Last evaluated: 2022-04-13. Review status: criteria provided, single submitter. Criteria: Invitae Variant Classification Sherloc (09022015). Collection method: clinical testing. Allele origin: germline.
Comment: In summary, the available evidence is currently insufficient to determine the role of this variant in disease. Therefore, it has been classified as a Variant of Uncertain Significance. Algorithms developed to predict the effect of missense changes on protein structure and function are either unavailable or do not agree on the potential impact of this missense change (SIFT: "Tolerated"; PolyPhen-2: "Probably Damaging"; Align-GVGD: "Class C0"). This variant has not been reported in the literature in individuals affected with BCAT2-related conditions. This variant is not present in population databases (gnomAD no frequency). This sequence change replaces glycine, which is neutral and non-polar, with alanine, which is neutral and non-polar, at codon 337 of the BCAT2 protein (p.Gly337Ala).

NM_001190.4(BCAT2):c.1010G>C (p.Gly337Ala)

Gene: BCAT2 (branched chain amino acid transaminase 2; minus strand). Cytogenetic location: 19q13.33.
Variant type: single nucleotide variant.
Coding change: c.1010G>C on transcript NM_001190.4 (MANE Select); coding-DNA position 1010, G replaced by C.
Protein change: p.Gly337Ala; replaces glycine 337 with alanine.
Molecular consequence: missense variant.
Genome position (GRCh38, 1-based): chr19:48,796,633, C>G on the plus strand (G>C on the coding strand, the complement: BCAT2 is on the minus strand). VCF-style: chr19-48796633-C-G. GRCh37 (hg19) VCF-style: chr19-49299890-C-G.
Other names: c.734G>C, p.Gly245Ala (NM_001164773.2); c.890G>C, p.Gly297Ala (NM_001284325.2); short protein forms G297A, G245A, G337A.
Identifiers: ClinVar variation 2060348 (VCV002060348.4), dbSNP rs2514083640, ClinGen allele CA406720393.